The following is an entry in ClinVar:

NM_006158.5(NEFL):c.551G>A (p.Ser184Asn)

Gene: NEFL (neurofilament light chain; minus strand). Cytogenetic location: 8p21.2.
Variant type: single nucleotide variant.
Coding change: c.551G>A on transcript NM_006158.5 (MANE Select); coding-DNA position 551, G replaced by A.
Protein change: p.Ser184Asn; replaces serine 184 with asparagine.
Molecular consequence: missense variant.
Genome position (GRCh38, 1-based): chr8:24,955,965, C>T on the plus strand (G>A on the coding strand, the complement: NEFL is on the minus strand). VCF-style: chr8-24955965-C-T. GRCh37 (hg19) VCF-style: chr8-24813479-C-T.
Other names: short protein forms S184N.
Identifiers: ClinVar variation 2124937 (VCV002124937.4), dbSNP rs2486886980, ClinGen allele CA370622150.
Genomic context (GRCh38, chr8:24,955,965, plus strand): 5'-AGCGCCGCCTCGTCGGCGCCTTTGCGCGCTTCCATCAGCCGGCCCTCGGCGTCCTCGCGG[C>T]TCAGCACCTCCTCTTCATAGCGCGCCTGCAGGTTGCGCAGGGTCTCCTCCAGCCCTTCGC-3'
Protein context (NP_006149.2, residues 174-194): LQARYEEEVL[Ser184Asn]REDAEGRLME

ClinVar aggregate classification (germline): Uncertain significance (1 of 4 stars; one submission).

Conditions:
Charcot-Marie-Tooth disease type 2E (CMT2E). Also called: CHARCOT-MARIE-TOOTH DISEASE, AXONAL, TYPE 2E; CHARCOT-MARIE-TOOTH NEUROPATHY, TYPE 2E. Identifiers: Orphanet 99939, MedGen C1843225, MONDO:0011894, OMIM 607684.

Submission:

Labcorp Genetics (formerly Invitae), Labcorp
Classification: Uncertain significance for Charcot-Marie-Tooth disease type 2E. Last evaluated: 2022-04-11. Review status: criteria provided, single submitter. Criteria: Invitae Variant Classification Sherloc (09022015). Collection method: clinical testing. Allele origin: germline.
Comment: This sequence change replaces serine, which is neutral and polar, with asparagine, which is neutral and polar, at codon 184 of the NEFL protein (p.Ser184Asn). This variant is not present in population databases (gnomAD no frequency). This variant has not been reported in the literature in individuals affected with NEFL-related conditions. Experimental studies and prediction algorithms are not available or were not evaluated, and the functional significance of this variant is currently unknown. In summary, the available evidence is currently insufficient to determine the role of this variant in disease. Therefore, it has been classified as a Variant of Uncertain Significance.